The following is an entry in ClinVar:

NM_001375567.1(FOCAD):c.407C>G (p.Pro136Arg)

Gene: FOCAD (focadhesin; plus strand). Cytogenetic location: 9p21.3.
Variant type: single nucleotide variant.
Coding change: c.407C>G on transcript NM_001375567.1 (MANE Select); coding-DNA position 407, C replaced by G.
Protein change: p.Pro136Arg; replaces proline 136 with arginine.
Molecular consequence: missense variant.
Genome position (GRCh38, 1-based): chr9:20,758,104, C>G. VCF-style: chr9-20758104-C-G. GRCh37 (hg19) VCF-style: chr9-20758103-C-G.
Other names: c.407C>G, p.Pro136Arg (NM_001375568.1, NM_017794.5); c.302C>G, p.Pro101Arg (NM_001375570.1); short protein forms P136R, P101R.
Identifiers: ClinVar variation 4748474 (VCV004748474.1).
Genomic context (GRCh38, chr9:20,758,104, plus strand): 5'-GTAGTCCTGAATAACAGGTTCCCATGTGACTTTCTGTGTCTTTCAGAAATCATCCTCATC[C>G]TTTGATAACTGTGCTTGAACACAGACCTGATTGCTGGCCAGTGTTTTTGCAGCAGCTGAC-3'
Protein context (NP_001362496.1, residues 126-146): SIYTIRNHPH[Pro136Arg]LITVLEHRPD

ClinVar aggregate classification (germline): Uncertain significance (1 of 4 stars; one submission).

gnomAD v4.1: 22 of 1,606,684 alleles (0.0014%); highest among the groups gnomAD compares: Non-Finnish European, 0.0019%; no homozygotes.

Submission:

Labcorp Genetics (formerly Invitae), Labcorp
Classification: Uncertain significance. Last evaluated: 2025-07-28. Review status: criteria provided, single submitter. Criteria: Invitae Variant Classification Sherloc (09022015). Collection method: clinical testing. Allele origin: germline.
Comment: This sequence change replaces proline, which is neutral and non-polar, with arginine, which is basic and polar, at codon 136 of the FOCAD protein (p.Pro136Arg). This variant is present in population databases (rs760035336, gnomAD 0.002%). This variant has not been reported in the literature in individuals affected with FOCAD-related conditions. Experimental studies and prediction algorithms are not available or were not evaluated, and the functional significance of this variant is currently unknown. In summary, the available evidence is currently insufficient to determine the role of this variant in disease. Therefore, it has been classified as a Variant of Uncertain Significance.